The following is an entry in ClinVar:

NM_000257.4(MYH7):c.5176C>T (p.Gln1726Ter)

Genes: MHRT (myosin heavy chain associated RNA transcript; plus strand), MYH7 (myosin heavy chain 7; minus strand), LOC126861897 (BRD4-independent group 4 enhancer GRCh37_chr14:23884455-23885654; plus strand). Cytogenetic location: 14q11.2.
Variant type: single nucleotide variant.
Coding change: c.5176C>T on transcript NM_000257.4 (MANE Select); coding-DNA position 5176, C replaced by T.
Protein change: p.Gln1726Ter; replaces glutamine 1726 with a stop codon.
Molecular consequence: nonsense. On other transcripts: non-coding transcript variant (1).
Genome position (GRCh38, 1-based): chr14:23,415,488, G>A on the plus strand (C>T on the coding strand, the complement: MYH7 is on the minus strand). VCF-style: chr14-23415488-G-A. GRCh37 (hg19) VCF-style: chr14-23884697-G-A.
Other names: c.5176C>T, p.Gln1726Ter (NM_001407004.1); short protein forms Q1726*.
Identifiers: ClinVar variation 3387286 (VCV003387286.1).

ClinVar aggregate classification (germline): Uncertain significance (1 of 4 stars; one submission).

Conditions:
Cardiomyopathy (CMYO). Also called: Cardiomyopathies. Identifiers: Orphanet 167848, MedGen C0878544, MONDO:0004994, HP:0001638. Inheritance: Various modes of inheritance.

Submission:

All of Us Research Program, National Institutes of Health
Classification: Uncertain significance for Cardiomyopathy. Last evaluated: 2024-08-06. Review status: criteria provided, single submitter. Criteria: ACMG Guidelines, 2015. Collection method: clinical testing. Allele origin: germline. Inheritance: Autosomal dominant inheritance. Observed: 1 variant allele, 1 heterozygote.
Comment: This study involves interpretation of variants in research participants for the purpose of population health screening. Participant phenotype was not available at the time of variant classification. Additional details can be found in publication PMID: 35346344, PMCID: PMC8962531